The following is an entry in ClinVar:

NM_001037.5(SCN1B):c.449-5T>C

Gene: SCN1B (sodium voltage-gated channel beta subunit 1; plus strand). Cytogenetic location: 19q13.11.
Variant type: single nucleotide variant.
Coding change: c.449-5T>C on transcript NM_001037.5 (MANE Select); 5 bases into the intron before coding-DNA position 449, T replaced by C.
Molecular consequence: intron variant.
Genome position (GRCh38, 1-based): chr19:35,039,112, T>C. VCF-style: chr19-35039112-T-C. GRCh37 (hg19) VCF-style: chr19-35530016-T-C.
Other names: c.350-5T>C (NM_001321605.2).
Identifiers: ClinVar variation 2799681 (VCV002799681.3), dbSNP rs1204125380, ClinGen allele CA632754808.

ClinVar aggregate classification (germline): Uncertain significance (1 of 4 stars; one submission).

Conditions:
Brugada syndrome 5 (BRGDA5). Identifiers: Orphanet 130, Orphanet 871, MedGen C2748541, MONDO:0013015, OMIM 612838.

Allele frequency attached by ClinVar (database versions not stated): gnomAD exomes below 0.00001; TOPMed below 0.00001.

Submission:

Labcorp Genetics (formerly Invitae), Labcorp
Classification: Uncertain significance for Brugada syndrome 5. Last evaluated: 2023-09-11. Review status: criteria provided, single submitter. Criteria: Invitae Variant Classification Sherloc (09022015). Collection method: clinical testing. Allele origin: germline.
Comment: This sequence change falls in intron 3 of the SCN1B gene. It does not directly change the encoded amino acid sequence of the SCN1B protein. The SCN1B gene has multiple clinically relevant transcripts. This variant occurs in alternate transcript NM_001037.5, and corresponds to NM_199037.3:c.*5014T>C in the primary transcript. In summary, the available evidence is currently insufficient to determine the role of this variant in disease. Therefore, it has been classified as a Variant of Uncertain Significance. Experimental studies and prediction algorithms are not available or were not evaluated, and the effect of this variant on mRNA splicing is currently unknown. This variant has not been reported in the literature in individuals affected with SCN1B-related conditions. This variant is present in population databases (no rsID available, gnomAD 0.003%).